The following is an entry in ClinVar:

ClinVar aggregate classification (germline): Benign/Likely benign. Review status: criteria provided, multiple submitters, no conflicts (2 of 4 stars). 3 submissions from 3 submitters: Benign (2); Likely benign (1). Last evaluated 2024-09-09.

Conditions:
Cataract 1 multiple types. Also called: CATARACT 1, NUCLEAR PROGRESSIVE; CATARACT 1 WITH MICROCORNEA; CATARACT 1, MULTIPLE TYPES, WITH OR WITHOUT MICROCORNEA; CATARACT, DUFFY-LINKED; CATARACT 1, POSTERIOR SUBCAPSULAR, WITH MICROCORNEA; CATARACT 1, STELLATE NUCLEAR, WITH MICROCORNEA. Identifiers: Orphanet 1377, MedGen C1861828, MONDO:0007285, OMIM 116200.

Allele frequency attached by ClinVar (database versions not stated): 1000 Genomes Project 0.00040; 1000 Genomes Project 30x 0.00047; ESP Exome Variant Server 0.00054; TOPMed 0.00059; gnomAD 0.00068 and 0.00070; ExAC 0.00073; gnomAD exomes 0.00082 and 0.00127.

Submissions (3):

Labcorp Genetics (formerly Invitae), Labcorp
Classification: Likely benign for Cataract 1 multiple types. Last evaluated: 2024-09-09. Review status: criteria provided, single submitter. Criteria: Invitae Variant Classification Sherloc (09022015). Collection method: clinical testing. Allele origin: germline.

CeGaT Center for Human Genetics Tuebingen
Classification: Benign. Last evaluated: 2022-06-01. Review status: criteria provided, single submitter. Criteria: CeGaT Center For Human Genetics Tuebingen Variant Classification Criteria Version 2. Collection method: clinical testing. Allele origin: germline. Affected: yes. Observed: 1 variant allele.
Comment: GJA8: BS1, BS2

Illumina Laboratory Services, Illumina
Classification: Benign for Cataract 1 multiple types. Last evaluated: 2018-01-12. Review status: criteria provided, single submitter. Criteria: ICSL Variant Classification Criteria 13 December 2019. Collection method: clinical testing. Allele origin: germline.
Comment: This variant was observed in the ICSL laboratory as part of a predisposition screen in an ostensibly healthy population. It had not been previously curated by ICSL or reported in the Human Gene Mutation Database (HGMD: prior to June 1st, 2018), and was therefore a candidate for classification through an automated scoring system. Utilizing variant allele frequency, disease prevalence and penetrance estimates, and inheritance mode, an automated score was calculated to assess if this variant is too frequent to cause the disease. Based on the score and internal cut-off values, a variant classified as benign is not then subjected to further curation. The score for this variant resulted in a classification of benign for this disease.

NM_005267.5(GJA8):c.385G>A (p.Val129Ile)

Gene: GJA8 (gap junction protein alpha 8; plus strand). Cytogenetic location: 1q21.2.
Variant type: single nucleotide variant.
Coding change: c.385G>A on transcript NM_005267.5 (MANE Select); coding-DNA position 385, G replaced by A.
Protein change: p.Val129Ile; replaces valine 129 with isoleucine.
Molecular consequence: missense variant.
Genome position (GRCh38, 1-based): chr1:147,908,340, G>A. VCF-style: chr1-147908340-G-A. GRCh37 (hg19) VCF-style: chr1-147380467-G-A.
Other names: short protein forms V129I.
Identifiers: ClinVar variation 292466 (VCV000292466.38), dbSNP rs142415337, ClinGen allele CA1065932.